The following is an entry in ClinVar:

NM_004415.4(DSP):c.7312G>C (p.Glu2438Gln)

Gene: DSP (desmoplakin; plus strand). Cytogenetic location: 6p24.3.
Variant type: single nucleotide variant.
Coding change: c.7312G>C on transcript NM_004415.4 (MANE Select); coding-DNA position 7312, G replaced by C.
Protein change: p.Glu2438Gln; replaces glutamic acid 2438 with glutamine.
Molecular consequence: missense variant.
Genome position (GRCh38, 1-based): chr6:7,584,574, G>C. VCF-style: chr6-7584574-G-C. GRCh37 (hg19) VCF-style: chr6-7584807-G-C.
Other names: c.5515G>C, p.Glu1839Gln (NM_001008844.3); c.5983G>C, p.Glu1995Gln (NM_001319034.2); short protein forms E1839Q, E2438Q, E1995Q.
Identifiers: ClinVar variation 923032 (VCV000923032.4), dbSNP rs1759566407, ClinGen allele CA362692724.

ClinVar aggregate classification (germline): Uncertain significance (1 of 4 stars; one submission).

Conditions:
Cardiomyopathy (CMYO). Also called: Cardiomyopathies. Identifiers: Orphanet 167848, MedGen C0878544, MONDO:0004994, HP:0001638. Inheritance: Various modes of inheritance.

Submission:

Color Diagnostics, LLC DBA Color Health
Classification: Uncertain significance for Cardiomyopathy. Last evaluated: 2024-03-06. Review status: criteria provided, single submitter. Criteria: ACMG Guidelines, 2015. Collection method: clinical testing. Allele origin: germline.
Comment: This missense variant replaces glutamic acid with glutamine at codon 2438 of the DSP protein. Computational prediction tool suggests that this variant may not impact protein structure and function (internally defined REVEL score threshold <=0.5, PMID: 27666373). Splice site prediction tools suggest that this variant may not impact RNA splicing. To our knowledge, functional studies have not been performed for this variant. This variant has not been reported in individuals affected with cardiovascular disorders in the literature. This variant has not been identified in the general population by the Genome Aggregation Database (gnomAD). The available evidence is insufficient to determine the role of this variant in disease conclusively. Therefore, this variant is classified as a Variant of Uncertain Significance.